The following is an entry in ClinVar:

ClinVar aggregate classification (germline): Conflicting classifications of pathogenicity. Review status: criteria provided, conflicting classifications (1 of 4 stars). 3 submissions from 3 submitters: Uncertain significance (2); Likely benign (1). Last evaluated 2024-02-23.

Conditions:
Vanishing white matter disease. Also called: CACH syndrome; Childhood ataxia with diffuse central nervous system hypomyelination; Leukoencephalopathy with vanishing white matter; CACH/VWM syndrome; Cree leukoencehalopathy. Identifiers: Orphanet 135, Orphanet 99853, MedGen C1858991, MONDO:0800448.

Allele frequency attached by ClinVar (database versions not stated): gnomAD exomes 0.00004 and 0.00011; TOPMed 0.00006; gnomAD 0.00007 and 0.00008; ExAC 0.00009; ESP Exome Variant Server 0.00015.
gnomAD v4.1: 82 of 1,613,626 alleles (0.0051%); highest among the groups gnomAD compares: African/African-American, 0.0013%; no homozygotes.

Submissions (3):

Labcorp Genetics (formerly Invitae), Labcorp
Classification: Likely benign. Last evaluated: 2024-02-23. Review status: criteria provided, single submitter. Criteria: Invitae Variant Classification Sherloc (09022015). Collection method: clinical testing. Allele origin: germline.

Victorian Clinical Genetics Services, Murdoch Childrens Research Institute
Classification: Uncertain significance for Vanishing white matter disease. Last evaluated: 2020-05-25. Review status: criteria provided, single submitter. Criteria: ACMG Guidelines, 2015. Collection method: clinical testing. Allele origin: germline. Inheritance: Autosomal recessive inheritance.
Comment: Based on the classification scheme VCGS_Germline_v1.1.1, this variant is classified as 3C-VUS. Following criteria are met: 0102 - Loss-of-function is a known mechanism of disease for this gene. (N) 0106 - This gene is known to be associated with autosomal recessive disease. (N) 0200 - Variant is predicted to result in a missense amino acid change from a glycine to an alanine (exon 1). (N) 0251 - Variant is heterozygous. (N) 0304 - Variant is present in gnomAD <0.01 for a recessive condition (27 heterozygotes, 0 homozygotes). (P) 0503 - Missense variant consistently predicted to be tolerated or not conserved in mammals with a minor amino acid change. (B) 0504 - Same amino acid change has been observed in mammals. (B) 0600 - Variant is located in an annotated domain or motif (initiation factor 2 subunit family domain; PDB, NCBI). (N) 0705 - No comparable variants have previous evidence for pathogenicity. (N) 0807 - Variant has not previously been reported in a clinical context. (N) 0905 - No segregation evidence has been identified for this variant. (N) 1007 - No published functional evidence has been identified for this variant. (N) 1208 - Inheritance information for this variant is not currently available. (N) Legend: (P) - Pathogenic, (N) - Neutral, (B) - Benign

Illumina Laboratory Services, Illumina
Classification: Uncertain significance for Leukoencephalopathy with vanishing white matter 1. Last evaluated: 2018-01-13. Review status: criteria provided, single submitter. Criteria: ICSL Variant Classification Criteria 13 December 2019. Collection method: clinical testing. Allele origin: germline.

NM_014239.4(EIF2B2):c.119G>C (p.Gly40Ala)

Gene: EIF2B2 (eukaryotic translation initiation factor 2B subunit beta; plus strand). Cytogenetic location: 14q24.3.
Variant type: single nucleotide variant.
Coding change: c.119G>C on transcript NM_014239.4 (MANE Select); coding-DNA position 119, G replaced by C.
Protein change: p.Gly40Ala; replaces glycine 40 with alanine.
Molecular consequence: missense variant.
Genome position (GRCh38, 1-based): chr14:75,003,109, G>C. VCF-style: chr14-75003109-G-C. GRCh37 (hg19) VCF-style: chr14-75469812-G-C.
Other names: short protein forms G40A.
Identifiers: ClinVar variation 885151 (VCV000885151.18), dbSNP rs139325888, ClinGen allele CA7274783.